The following is an entry in ClinVar:

ClinVar aggregate classification (germline): Uncertain significance. Review status: criteria provided, multiple submitters, no conflicts (2 of 4 stars). 3 submissions from 3 submitters: Uncertain significance (3). Last evaluated 2025-06-17.

Allele frequency attached by ClinVar (database versions not stated): ExAC 0.00002; gnomAD 0.00002; TOPMed 0.00002; gnomAD exomes 0.00004.
gnomAD v4.1: 59 of 1,612,568 alleles (0.0037%); highest among the groups gnomAD compares: Non-Finnish European, 0.0047%; no homozygotes.

Submissions (3):

Labcorp Genetics (formerly Invitae), Labcorp
Classification: Uncertain significance. Last evaluated: 2025-06-17. Review status: criteria provided, single submitter. Criteria: Invitae Variant Classification Sherloc (09022015). Collection method: clinical testing. Allele origin: germline.
Comment: This sequence change replaces aspartic acid, which is acidic and polar, with alanine, which is neutral and non-polar, at codon 369 of the CCDC50 protein (p.Asp369Ala). This variant is present in population databases (rs778952598, gnomAD 0.004%). This variant has not been reported in the literature in individuals affected with CCDC50-related conditions. ClinVar contains an entry for this variant (Variation ID: 1803672). An algorithm developed to predict the effect of missense changes on protein structure and function (PolyPhen-2) suggests that this variant is likely to be tolerated. In summary, the available evidence is currently insufficient to determine the role of this variant in disease. Therefore, it has been classified as a Variant of Uncertain Significance.

Ambry Genetics
Classification: Uncertain significance. Last evaluated: 2023-07-19. Review status: criteria provided, single submitter. Criteria: Ambry Variant Classification Scheme 2023. Collection method: clinical testing. Allele origin: germline.

GeneDx
Classification: Uncertain significance. Last evaluated: 2022-06-08. Review status: criteria provided, single submitter. Criteria: GeneDx Variant Classification Process June 2021. Collection method: clinical testing. Allele origin: germline. Affected: yes.
Comment: In silico analysis supports that this missense variant has a deleterious effect on protein structure/function; Has not been previously published as pathogenic or benign to our knowledge

NM_178335.3(CCDC50):c.1106A>C (p.Asp369Ala)

Gene: CCDC50 (coiled-coil domain containing 50; plus strand). Cytogenetic location: 3q28.
Variant type: single nucleotide variant.
Coding change: c.1106A>C on transcript NM_178335.3 (MANE Select); coding-DNA position 1106, A replaced by C.
Protein change: p.Asp369Ala; replaces aspartic acid 369 with alanine.
Molecular consequence: missense variant.
Genome position (GRCh38, 1-based): chr3:191,380,700, A>C. VCF-style: chr3-191380700-A-C. GRCh37 (hg19) VCF-style: chr3-191098489-A-C.
Other names: c.578A>C, p.Asp193Ala (NM_174908.4); short protein forms D193A, D369A.
Identifiers: ClinVar variation 1803672 (VCV001803672.4), dbSNP rs778952598, ClinGen allele CA2755445.